The following is an entry in ClinVar:

NM_000112.4(SLC26A2):c.1169C>T (p.Ser390Phe)

Gene: SLC26A2 (solute carrier family 26 member 2; plus strand). Cytogenetic location: 5q32.
Variant type: single nucleotide variant.
Coding change: c.1169C>T on transcript NM_000112.4 (MANE Select); coding-DNA position 1169, C replaced by T.
Protein change: p.Ser390Phe; replaces serine 390 with phenylalanine.
Molecular consequence: missense variant.
Genome position (GRCh38, 1-based): chr5:149,980,762, C>T. VCF-style: chr5-149980762-C-T. GRCh37 (hg19) VCF-style: chr5-149360325-C-T.
Other names: short protein forms S390F.
Identifiers: ClinVar variation 1977251 (VCV001977251.5), dbSNP rs2480775165, ClinGen allele CA361707294.

ClinVar aggregate classification (germline): Uncertain significance (1 of 4 stars; one submission).

Conditions:
Achondrogenesis, type IB (ACG1B). Also called: Achondrogenesis Type 1B. Identifiers: Orphanet 932, Orphanet 93298, MedGen C0265274, MONDO:0010966, OMIM 600972.
Multiple epiphyseal dysplasia type 4 (EDM4). Also called: Multiple Epiphyseal Dysplasia, Recessive; MULTIPLE EPIPHYSEAL DYSPLASIA WITH BILAYERED PATELLAE; MULTIPLE EPIPHYSEAL DYSPLASIA WITH CLUBFOOT; MULTIPLE EPIPHYSEAL DYSPLASIA, AUTOSOMAL RECESSIVE; SLC26A2-Related Multiple Epiphyseal Dysplasia. Identifiers: Orphanet 93307, MedGen C1847593, MONDO:0009189, OMIM 226900.
Diastrophic dysplasia (DTD). Also called: Diastrophic dwarfism. Identifiers: Orphanet 628, MedGen C0220726, MONDO:0009107, OMIM 222600.
Atelosteogenesis type II (AO2). Also called: SLC26A2-Related Atelosteogenesis; NEONATAL OSSEOUS DYSPLASIA I; Neonatal osseous dysplasia 1. Identifiers: Orphanet 56304, MedGen C1850554, MONDO:0009727, OMIM 256050.

Submission:

Labcorp Genetics (formerly Invitae), Labcorp
Classification: Uncertain significance for Atelosteogenesis type II; Multiple epiphyseal dysplasia type 4; Achondrogenesis, type IB; Diastrophic dysplasia. Last evaluated: 2022-05-06. Review status: criteria provided, single submitter. Criteria: Invitae Variant Classification Sherloc (09022015). Collection method: clinical testing. Allele origin: germline.
Comment: This variant is not present in population databases (gnomAD no frequency). This variant has not been reported in the literature in individuals affected with SLC26A2-related conditions. Advanced modeling of protein sequence and biophysical properties (such as structural, functional, and spatial information, amino acid conservation, physicochemical variation, residue mobility, and thermodynamic stability) performed at Invitae indicates that this missense variant is not expected to disrupt SLC26A2 protein function. In summary, the available evidence is currently insufficient to determine the role of this variant in disease. Therefore, it has been classified as a Variant of Uncertain Significance. This sequence change replaces serine, which is neutral and polar, with phenylalanine, which is neutral and non-polar, at codon 390 of the SLC26A2 protein (p.Ser390Phe).